The following is an entry in ClinVar:

NM_001081.4(CUBN):c.8600T>A (p.Val2867Glu)

Gene: CUBN (cubilin; minus strand). Cytogenetic location: 10p13.
Variant type: single nucleotide variant.
Coding change: c.8600T>A on transcript NM_001081.4 (MANE Select); coding-DNA position 8600, T replaced by A.
Protein change: p.Val2867Glu; replaces valine 2867 with glutamic acid.
Molecular consequence: missense variant.
Genome position (GRCh38, 1-based): chr10:16,890,526, A>T on the plus strand (T>A on the coding strand, the complement: CUBN is on the minus strand). VCF-style: chr10-16890526-A-T. GRCh37 (hg19) VCF-style: chr10-16932525-A-T.
Other names: short protein forms V2867E.
Identifiers: ClinVar variation 1483282 (VCV001483282.6), dbSNP rs2131400339, ClinGen allele CA376139200.

ClinVar aggregate classification (germline): Uncertain significance (1 of 4 stars; one submission).

Conditions:
Imerslund-Grasbeck syndrome. Also called: Megaloblastic anemia due to inborn errors of metabolism; Imerslund-Gräsbeck syndrome; ENTEROCYTE COBALAMIN MALABSORPTION; ENTEROCYTE INTRINSIC FACTOR RECEPTOR, DEFECT OF; PERNICIOUS ANEMIA, JUVENILE, DUE TO SELECTIVE INTESTINAL MALABSORPTION OF VITAMIN B12, WITH PROTEINURIA. Identifiers: Orphanet 35858, MedGen C4551825, MONDO:0009853.

Allele frequency attached by ClinVar (database versions not stated): gnomAD exomes below 0.00001.
gnomAD v4.1: 2 of 1,614,132 alleles (0.00012%); highest among the groups gnomAD compares: Non-Finnish European, 0.00017%; no homozygotes.

Submission:

Labcorp Genetics (formerly Invitae), Labcorp
Classification: Uncertain significance for Imerslund-Grasbeck syndrome. Last evaluated: 2022-08-23. Review status: criteria provided, single submitter. Criteria: Invitae Variant Classification Sherloc (09022015). Collection method: clinical testing. Allele origin: germline.
Comment: This sequence change replaces valine, which is neutral and non-polar, with glutamic acid, which is acidic and polar, at codon 2867 of the CUBN protein (p.Val2867Glu). This variant is not present in population databases (gnomAD no frequency). This variant has not been reported in the literature in individuals affected with CUBN-related conditions. ClinVar contains an entry for this variant (Variation ID: 1483282). Algorithms developed to predict the effect of missense changes on protein structure and function are either unavailable or do not agree on the potential impact of this missense change (SIFT: "Tolerated"; PolyPhen-2: "Probably Damaging"; Align-GVGD: "Class C0"). In summary, the available evidence is currently insufficient to determine the role of this variant in disease. Therefore, it has been classified as a Variant of Uncertain Significance.